The following is an entry in ClinVar:

NM_004484.4(GPC3):c.477T>G (p.Ser159=)

Gene: GPC3 (glypican 3; minus strand). Cytogenetic location: Xq26.2.
Variant type: single nucleotide variant.
Coding change: c.477T>G on transcript NM_004484.4 (MANE Select); coding-DNA position 477, T replaced by G.
Protein change: p.Ser159=; no amino-acid change (serine 159 retained).
Molecular consequence: synonymous variant.
Genome position (GRCh38, 1-based): chrX:133,754,037, A>C on the plus strand (T>G on the coding strand, the complement: GPC3 is on the minus strand). VCF-style: chrX-133754037-A-C. GRCh37 (hg19) VCF-style: chrX-132888064-A-C.
Other names: c.477T>G, p.Ser159= (NM_001164617.2); c.429T>G, p.Ser143= (NM_001164618.2); c.315T>G, p.Ser105= (NM_001164619.2).
Identifiers: ClinVar variation 4084766 (VCV004084766.8).
Genomic context (GRCh38, chrX:133,754,037, plus strand): 5'-ATAGATGACTGGAAACAGGCTGTCAAACAATTCATTGACCATGTCATCTACATTGATGTC[A>C]GAACCCAAGATGTAGAGAGACACATCTGTGAAAAATTCACCCACAAACTCAAAAGCTTGT-3'
Protein context (NP_004475.1, residues 149-169): FTDVSLYILG[Ser159=]DINVDDMVNE

ClinVar aggregate classification (germline): Likely benign (1 of 4 stars; one submission).

Submission:

CeGaT Center for Human Genetics Tuebingen
Classification: Likely benign. Last evaluated: 2025-08-01. Review status: criteria provided, single submitter. Criteria: CeGaT Center For Human Genetics Tuebingen Variant Classification Criteria Version 2. Collection method: clinical testing. Allele origin: germline. Affected: yes. Observed: 1 variant allele.
Comment: GPC3: PM2:Supporting, BP4, BP7